The following is an entry in ClinVar:

NM_002160.4(TNC):c.1726G>A (p.Gly576Ser)

Gene: TNC (tenascin C; minus strand). Cytogenetic location: 9q33.1.
Variant type: single nucleotide variant.
Coding change: c.1726G>A on transcript NM_002160.4 (MANE Select); coding-DNA position 1726, G replaced by A.
Protein change: p.Gly576Ser; replaces glycine 576 with serine.
Molecular consequence: missense variant.
Genome position (GRCh38, 1-based): chr9:115,086,005, C>T on the plus strand (G>A on the coding strand, the complement: TNC is on the minus strand). VCF-style: chr9-115086005-C-T. GRCh37 (hg19) VCF-style: chr9-117848284-C-T.
Other names: c.1726G>A (NM_002160.3); short protein forms G576S.
Identifiers: ClinVar variation 1701578 (VCV001701578.32), dbSNP rs371055558, ClinGen allele CA5208739.
Genomic context (GRCh38, chr9:115,086,005, plus strand): 5'-TGGGGCAGGAGTGCTGGCCACAGTCCAGGCCTGTGAAGCCCTCGTGGCAGATGCACTGGC[C>T]GTCCACGCAGCGGCCCTGGCCATGACAGTCACTGGGACATCTTTGCTCCTTGCAGTCTTT-3'
Protein context (NP_002151.2, residues 566-586): DCHGQGRCVD[Gly576Ser]QCICHEGFTG

ClinVar aggregate classification (germline): Uncertain significance. Review status: criteria provided, multiple submitters, no conflicts (2 of 4 stars). 2 submissions from 2 submitters: Uncertain significance (2). Last evaluated 2026-01-13.

Conditions:
TNC-related disorder. Also called: TNC-related condition.

Allele frequency attached by ClinVar (database versions not stated): ExAC 0.00003; gnomAD exomes 0.00003; TOPMed 0.00003; gnomAD 0.00004; ESP Exome Variant Server 0.00008.
gnomAD v4.1: 60 of 1,613,802 alleles (0.0037%); highest among the groups gnomAD compares: African/African-American, 0.0053%; no homozygotes.

Submissions (2):

PreventionGenetics, part of Exact Sciences
Classification: Uncertain significance for TNC-related condition. Last evaluated: 2026-01-13. Review status: criteria provided, single submitter. Criteria: ACMG Guidelines, 2015. Collection method: clinical testing. Allele origin: germline.
Comment: The TNC c.1726G>A variant is predicted to result in the amino acid substitution p.Gly576Ser. To our knowledge, this variant has not been reported in the literature. This variant is reported in 0.0081% of alleles in individuals of African descent in gnomAD. At this time, the clinical significance of this variant is uncertain due to the absence of conclusive functional and genetic evidence.

CeGaT Center for Human Genetics Tuebingen
Classification: Uncertain significance. Last evaluated: 2022-07-01. Review status: criteria provided, single submitter. Criteria: CeGaT Center For Human Genetics Tuebingen Variant Classification Criteria Version 2. Collection method: clinical testing. Allele origin: germline. Affected: yes. Observed: 1 variant allele.
Comment: TNC: PM2:Supporting, BP4